The following is an entry in ClinVar:

NM_001458.5(FLNC):c.8110T>A (p.Tyr2704Asn)

Genes: FLNC (filamin C; plus strand), FLNC-AS1 (FLNC antisense RNA 1; minus strand). Cytogenetic location: 7q32.1.
Variant type: single nucleotide variant.
Coding change: c.8110T>A on transcript NM_001458.5 (MANE Select); coding-DNA position 8110, T replaced by A.
Protein change: p.Tyr2704Asn; replaces tyrosine 2704 with asparagine.
Molecular consequence: missense variant.
Genome position (GRCh38, 1-based): chr7:128,858,455, T>A. VCF-style: chr7-128858455-T-A. GRCh37 (hg19) VCF-style: chr7-128498509-T-A.
Other names: c.8011T>A, p.Tyr2671Asn (NM_001127487.2); short protein forms Y2671N, Y2704N.
Identifiers: ClinVar variation 4530911 (VCV004530911.1).

ClinVar aggregate classification (germline): Uncertain significance (1 of 4 stars; one submission).

Submission:

GeneDx
Classification: Uncertain significance. Last evaluated: 2025-05-20. Review status: criteria provided, single submitter. Criteria: GeneDx Variant Classification Process June 2021. Collection method: clinical testing. Allele origin: germline. Affected: yes.
Comment: Not observed at significant frequency in large population cohorts (gnomAD); In silico analysis supports that this missense variant has a deleterious effect on protein structure/function; Has not been previously published as pathogenic or benign to our knowledge